The following is an entry in ClinVar:

ClinVar aggregate classification (germline): Pathogenic. Review status: criteria provided, multiple submitters, no conflicts (2 of 4 stars). 5 submissions from 4 submitters: Pathogenic (3). 2 of the submissions do not count toward it. Last evaluated 2025-04-22.

Conditions:
Stickler syndrome, type I, nonsyndromic ocular. Also called: STICKLER SYNDROME, TYPE I, PREDOMINANTLY OCULAR; STICKLER SYNDROME, ATYPICAL. Identifiers: MedGen C1836080, MONDO:0012287, OMIM 609508.
Namaqualand hip dysplasia (OSCDP). Also called: Mild spondyloepiphyseal dysplasia due to COL2A1 mutation with early-onset osteoarthritis. Identifiers: Orphanet 93279, MedGen C0432214, MONDO:0011496, OMIM 604864.
Legg-Calve-Perthes disease. Also called: Osteochondritis deformans; Coxa plana; Avascular necrosis of the capital femoral epiphysis; PERTHES DISEASE. Identifiers: Orphanet 2380, MedGen C1442965, MONDO:0007885, OMIM 150600, HP:0005743.
Achondrogenesis type II (ACG2). Also called: ACHONDROGENESIS, LANGER-SALDINO TYPE; CHONDROGENESIS IMPERFECTA. Identifiers: Orphanet 932, Orphanet 93296, MedGen C0220685, MONDO:0008702, OMIM 200610.
Spondyloepiphyseal dysplasia with metatarsal shortening. Also called: Pseudorheumatoid dysplasia progressive, with hypoplastic toes; CZECH DYSPLASIA, METATARSAL TYPE; SPONDYLOEPIPHYSEAL DYSPLASIA WITH PRECOCIOUS OSTEOARTHRITIS. Identifiers: Orphanet 137678, MedGen C1836683, MONDO:0012206, OMIM 609162.
Platyspondylic dysplasia, Torrance type (PLSDT). Identifiers: Orphanet 85166, MedGen C1835437, MONDO:0007895, OMIM 151210.
Stickler syndrome type 1 (STL1). Also called: STICKLER SYNDROME, MEMBRANOUS VITREOUS TYPE; ARTHROOPHTHALMOPATHY, HEREDITARY PROGRESSIVE; STICKLER SYNDROME, VITREOUS TYPE 1; COL2A1-Related Stickler Syndrome. Identifiers: Orphanet 828, Orphanet 90653, MedGen C2020284, MONDO:0007160, OMIM 108300.
Avascular necrosis of femoral head, primary, 1 (ANFH1). Also called: Avascular necrosis of femoral head, primary. Identifiers: Orphanet 86820, MedGen C4551562, MONDO:0054550, OMIM 608805.
Spondyloepimetaphyseal dysplasia, Strudwick type (SEMDSTWK). Also called: DAPPLED METAPHYSIS SYNDROME; STRUDWICK SYNDROME. Identifiers: Orphanet 93346, MedGen C0700635, MONDO:0008476, OMIM 184250.
Vitreoretinopathy with phalangeal epiphyseal dysplasia (VPED). Identifiers: MedGen C1852989, MONDO:0031001, OMIM 619248.
Spondyloepiphyseal dysplasia congenita (SEDC). Also called: SED CONGENITA; SPONDYLOEPIPHYSEAL DYSPLASIA, CONGENITAL TYPE. Identifiers: Orphanet 94068, MedGen C2745959, MONDO:0008471, OMIM 183900.
Spondyloperipheral dysplasia. Also called: SPONDYLOPERIPHERAL DYSPLASIA WITH SHORT ULNA; Spondyloperipheral dysplasia-short ulna syndrome. Identifiers: Orphanet 1856, MedGen C0796173, MONDO:0010078, OMIM 271700.
Multiple epiphyseal dysplasia, Beighton type. Identifiers: Orphanet 166011, MedGen C1851536, MONDO:0007562, OMIM 132450.
Spondyloepiphyseal dysplasia, Stanescu type. Also called: SED, STANESCU TYPE; SPONDYLOEPIMETAPHYSEAL DYSPLASIA, STANESCU TYPE. Identifiers: Orphanet 459051, MedGen C4225273, MONDO:0014701, OMIM 616583.
Kniest dysplasia. Identifiers: Orphanet 485, MedGen C0265279, MONDO:0007987, OMIM 156550.

Allele frequency attached by ClinVar (database versions not stated): gnomAD 0.00001.
gnomAD v4.1: 1 of 1,613,594 alleles (0.000062%); highest among the groups gnomAD compares: Non-Finnish European, 0.000085%; no homozygotes.

Submissions (5):

Labcorp Genetics (formerly Invitae), Labcorp
Classification: Pathogenic. Last evaluated: 2025-04-22. Review status: criteria provided, single submitter. Criteria: Invitae Variant Classification Sherloc (09022015). Collection method: clinical testing. Allele origin: germline.
Comment: This sequence change replaces glycine, which is neutral and non-polar, with serine, which is neutral and polar, at codon 1170 of the COL2A1 protein (p.Gly1170Ser). This variant is not present in population databases (gnomAD no frequency). This missense change has been observed in individuals with autosomal dominant avascular necrosis of the femoral head and other COL2A1-related conditions (PMID: 15930420, 25809783, 29750297). It has also been observed to segregate with disease in related individuals. ClinVar contains an entry for this variant (Variation ID: 17393). Invitae Evidence Modeling of protein sequence and biophysical properties (such as structural, functional, and spatial information, amino acid conservation, physicochemical variation, residue mobility, and thermodynamic stability) indicates that this missense variant is expected to disrupt COL2A1 protein function with a positive predictive value of 95%. This variant disrupts the triple helix domain of COL2A1. Glycine residues within the Gly-Xaa-Yaa repeats of the triple helix domain are required for the structure and stability of fibrillar collagens (PMID: 7695699, 8218237, 19344236). In COL2A1, variants affecting these glycine residues are significantly enriched in individuals with disease (PMID: 9016532, 17078022) compared to the general population (ExAC). For these reasons, this variant has been classified as Pathogenic.

Fulgent Genetics
Classification: Pathogenic for Stickler syndrome type 1; Multiple epiphyseal dysplasia, Beighton type; Legg-Calve-Perthes disease; Platyspondylic dysplasia, Torrance type; Kniest dysplasia; Spondyloepiphyseal dysplasia congenita; Spondyloepimetaphyseal dysplasia, Strudwick type; Achondrogenesis type II; Spondyloperipheral dysplasia; Namaqualand hip dysplasia; Avascular necrosis of femoral head, primary, 1; Spondyloepiphyseal dysplasia with metatarsal shortening; Stickler syndrome, type I, nonsyndromic ocular; Spondyloepiphyseal dysplasia, Stanescu type; Vitreoretinopathy with phalangeal epiphyseal dysplasia. Last evaluated: 2024-04-10. Review status: criteria provided, single submitter. Criteria: ACMG Guidelines, 2015. Collection method: clinical testing. Allele origin: germline.

Baylor Genetics
Classification: Pathogenic for Avascular necrosis of femoral head, primary, 1. Last evaluated: 2019-11-15. Review status: criteria provided, single submitter. Criteria: ACMG Guidelines, 2015. Collection method: clinical testing. Allele origin: unknown. Affected: yes.
Comment: This variant was determined to be pathogenic according to ACMG Guidelines, 2015 [PMID:25741868].

OMIM
Classification: Pathogenic for AVASCULAR NECROSIS OF THE FEMORAL HEAD, PRIMARY, 1. Last evaluated: 2007-06-01. Review status: no assertion criteria provided. Collection method: literature only. Allele origin: germline. Not counted in ClinVar's aggregate classification.

OMIM
Classification: Pathogenic for LEGG-CALVE-PERTHES DISEASE. Last evaluated: 2007-06-01. Review status: no assertion criteria provided. Collection method: literature only. Allele origin: germline. Not counted in ClinVar's aggregate classification.

Literature cited by the submitters: PubMed 15930420 (cited by Labcorp Genetics (formerly Invitae), Labcorp and OMIM); PubMed 25809783 (cited by Labcorp Genetics (formerly Invitae), Labcorp); PubMed 29750297 (cited by Labcorp Genetics (formerly Invitae), Labcorp); PubMed 7695699 (cited by Labcorp Genetics (formerly Invitae), Labcorp); PubMed 8218237 (cited by Labcorp Genetics (formerly Invitae), Labcorp); PubMed 19344236 (cited by Labcorp Genetics (formerly Invitae), Labcorp); PubMed 9016532 (cited by Labcorp Genetics (formerly Invitae), Labcorp); PubMed 17078022 (cited by Labcorp Genetics (formerly Invitae), Labcorp); PubMed 17394019 (cited by OMIM).

NM_001844.5(COL2A1):c.3508G>A (p.Gly1170Ser)

Gene: COL2A1 (collagen type II alpha 1 chain; minus strand). Cytogenetic location: 12q13.11.
Variant type: single nucleotide variant.
Coding change: c.3508G>A on transcript NM_001844.5 (MANE Select); coding-DNA position 3508, G replaced by A.
Protein change: p.Gly1170Ser; replaces glycine 1170 with serine.
Molecular consequence: missense variant.
Genome position (GRCh38, 1-based): chr12:47,976,052, C>T on the plus strand (G>A on the coding strand, the complement: COL2A1 is on the minus strand). VCF-style: chr12-47976052-C-T. GRCh37 (hg19) VCF-style: chr12-48369835-C-T.
Other names: c.3301G>A, p.Gly1101Ser (NM_033150.3); short protein forms G1170S, G1101S.
Identifiers: ClinVar variation 17393 (VCV000017393.12), dbSNP rs121912891, ClinGen allele CA127173.
Genomic context (GRCh38, chr12:47,976,052, plus strand): 5'-GGGGACCAGGAGGCCCAATGGGGCCAGGGATTCCATTAGCACCATCTTTGCCAGAGGGAC[C>T]GACGGGGCCAGGAGGACCCTGCAAGAGAGAGAGGTCGTGAGGAAAGAGTGGTCACCACAG-3'
Protein context (NP_001835.3, residues 1160-1180): SGPRGPPGPV[Gly1170Ser]PSGKDGANGI